The following is an entry in ClinVar:

ClinVar aggregate classification (germline): Conflicting classifications of pathogenicity. Review status: criteria provided, conflicting classifications (1 of 4 stars). 4 submissions from 4 submitters: Uncertain significance (2); Likely benign (2). Last evaluated 2026-09-21.

Conditions:
Cardiovascular phenotype. Identifiers: MedGen CN230736.

Allele frequency attached by ClinVar (database versions not stated): gnomAD exomes 0.00004 and 0.00020; gnomAD 0.00002 and 0.00003; TOPMed 0.00012; ExAC 0.00021.

Submissions (4):

Molecular Diagnostic Laboratory for Inherited Cardiovascular Disease, Montreal Heart Institute
Classification: Likely benign. Last evaluated: 2026-09-21. Review status: criteria provided, single submitter. Criteria: ACMG Guidelines, 2015. Collection method: clinical testing. Allele origin: germline. Affected: no.
Comment: BS1, BP1, BP4

GeneDx
Classification: Uncertain significance. Last evaluated: 2026-07-13. Review status: criteria provided, single submitter. Criteria: GeneDx Variant Classification Process June 2021. Collection method: clinical testing. Allele origin: germline.
Comment: In silico analysis suggests that this missense variant does not alter protein structure/function; Has not been previously published as pathogenic or benign to our knowledge

Labcorp Genetics (formerly Invitae), Labcorp
Classification: Uncertain significance. Last evaluated: 2025-12-09. Review status: criteria provided, single submitter. Criteria: Invitae Variant Classification Sherloc (09022015). Collection method: clinical testing. Allele origin: germline.
Comment: This sequence change replaces arginine, which is basic and polar, with histidine, which is basic and polar, at codon 1516 of the ALPK3 protein (p.Arg1516His). This variant is present in population databases (rs746125587, gnomAD 0.1%). This variant has not been reported in the literature in individuals affected with ALPK3-related conditions. ClinVar contains an entry for this variant (Variation ID: 1510476). Invitae Evidence Modeling of protein sequence and biophysical properties (such as structural, functional, and spatial information, amino acid conservation, physicochemical variation, residue mobility, and thermodynamic stability) indicates that this missense variant is not expected to disrupt ALPK3 protein function with a negative predictive value of 80%. In summary, the available evidence is currently insufficient to determine the role of this variant in disease. Therefore, it has been classified as a Variant of Uncertain Significance.

Ambry Genetics
Classification: Likely benign for Cardiovascular phenotype. Last evaluated: 2021-10-29. Review status: criteria provided, single submitter. Criteria: Ambry Variant Classification Scheme 2023. Collection method: clinical testing. Allele origin: germline.

NM_020778.5(ALPK3):c.3941G>A (p.Arg1314His)

Gene: ALPK3 (alpha kinase 3; plus strand). Cytogenetic location: 15q25.3.
Variant type: single nucleotide variant.
Coding change: c.3941G>A on transcript NM_020778.5 (MANE Select); coding-DNA position 3941, G replaced by A.
Protein change: p.Arg1314His; replaces arginine 1314 with histidine.
Molecular consequence: missense variant.
Genome position (GRCh38, 1-based): chr15:84,859,366, G>A. VCF-style: chr15-84859366-G-A. GRCh37 (hg19) VCF-style: chr15-85402597-G-A.
Other names: short protein forms R1314H.
Identifiers: ClinVar variation 1510476 (VCV001510476.11), dbSNP rs746125587, ClinGen allele CA7709765.